The following is an entry in ClinVar:

NM_007214.5(SEC63):c.2037A>G (p.Val679=)

Gene: SEC63 (SEC63 protein translocation regulator; minus strand). Cytogenetic location: 6q21.
Variant type: single nucleotide variant.
Coding change: c.2037A>G on transcript NM_007214.5 (MANE Select); coding-DNA position 2037, A replaced by G.
Protein change: p.Val679=; no amino-acid change (valine 679 retained).
Molecular consequence: synonymous variant.
Genome position (GRCh38, 1-based): chr6:107,872,910, T>C on the plus strand (A>G on the coding strand, the complement: SEC63 is on the minus strand). VCF-style: chr6-107872910-T-C. GRCh37 (hg19) VCF-style: chr6-108194114-T-C.
Identifiers: ClinVar variation 4891510 (VCV004891510.1).

ClinVar aggregate classification (germline): Uncertain significance (1 of 4 stars; one submission).

Submission:

GeneDx
Classification: Uncertain significance. Last evaluated: 2026-03-10. Review status: criteria provided, single submitter. Criteria: GeneDx Variant Classification Process June 2021. Collection method: clinical testing. Allele origin: germline.
Comment: Not observed at significant frequency in large population cohorts (gnomAD); In silico analysis suggests that this variant does not alter splicing; Has not been previously published as pathogenic or benign to our knowledge